The following is an entry in ClinVar:

ClinVar aggregate classification (germline): Uncertain significance (1 of 4 stars; one submission).

Conditions:
Neutropenia, severe congenital, 2, autosomal dominant. Identifiers: Orphanet 486, MedGen C2751288, MONDO:0013139, OMIM 613107.

Allele frequency attached by ClinVar (database versions not stated): gnomAD exomes below 0.00001; gnomAD 0.00001; TOPMed 0.00007.
gnomAD v4.1: 8 of 1,589,666 alleles (0.0005%); highest among the groups gnomAD compares: Admixed American, 0.013%; no homozygotes.

Submission:

Labcorp Genetics (formerly Invitae), Labcorp
Classification: Uncertain significance for Neutropenia, severe congenital, 2, autosomal dominant. Last evaluated: 2025-12-21. Review status: criteria provided, single submitter. Criteria: Invitae Variant Classification Sherloc (09022015). Collection method: clinical testing. Allele origin: germline.
Comment: This sequence change replaces alanine, which is neutral and non-polar, with glycine, which is neutral and non-polar, at codon 38 of the GFI1 protein (p.Ala38Gly). This variant is present in population databases (no rsID available, gnomAD 0.02%). This variant has not been reported in the literature in individuals affected with GFI1-related conditions. ClinVar contains an entry for this variant (Variation ID: 2072653). An algorithm developed to predict the effect of missense changes on protein structure and function (PolyPhen-2) suggests that this variant is likely to be tolerated. Algorithms developed to predict the effect of sequence changes on RNA splicing suggest that this variant may disrupt the consensus splice site. In summary, the available evidence is currently insufficient to determine the role of this variant in disease. Therefore, it has been classified as a Variant of Uncertain Significance.

NM_005263.5(GFI1):c.113C>G (p.Ala38Gly)

Gene: GFI1 (growth factor independent 1 transcriptional repressor; minus strand). Cytogenetic location: 1p22.1.
Variant type: single nucleotide variant.
Coding change: c.113C>G on transcript NM_005263.5 (MANE Select); coding-DNA position 113, C replaced by G.
Protein change: p.Ala38Gly; replaces alanine 38 with glycine.
Molecular consequence: missense variant.
Genome position (GRCh38, 1-based): chr1:92,483,375, G>C on the plus strand (C>G on the coding strand, the complement: GFI1 is on the minus strand). VCF-style: chr1-92483375-G-C. GRCh37 (hg19) VCF-style: chr1-92948932-G-C.
Other names: c.113C>G, p.Ala38Gly (NM_001127215.3, NM_001127216.3); short protein forms A38G.
Identifiers: ClinVar variation 2072653 (VCV002072653.4), dbSNP rs1026606429, ClinGen allele CA27090634.
Genomic context (GRCh38, chr1:92,483,375, plus strand): 5'-CCGAGGTGCAGTAGGCATCCGGGGGAGCAGCCCCGCCTGGCCCGCGCGCGCCTCGCACCT[G>C]CTCGGCTAGGCGCCGGTACATTCTCTAAACGGAGGGAATAGTCTGGTCCTGGGGAGCGCG-3'
Protein context (NP_005254.2, residues 28-48): RLENVPAPSR[Ala38Gly]DSTSNAGGAK